The following is an entry in ClinVar:

ClinVar aggregate classification (germline): Pathogenic (1 of 4 stars; one submission).

Conditions:
RYR1-related disorder. Also called: RYR1-related disorders; RYR1-related condition. Identifiers: MedGen CN239331.

Submission:

Labcorp Genetics (formerly Invitae), Labcorp
Classification: Pathogenic for RYR1-related disorder. Last evaluated: 2023-09-10. Review status: criteria provided, single submitter. Criteria: Invitae Variant Classification Sherloc (09022015). Collection method: clinical testing. Allele origin: unknown.
Comment: For these reasons, this variant has been classified as Pathogenic. This variant has not been reported in the literature in individuals affected with RYR1-related conditions. This variant is a gross deletion of the genomic region encompassing exon(s) 97 of the RYR1 gene. This deletion is out-of-frame, and is expected to create a premature termination codon and result in an absent or disrupted protein product. Loss-of-function variants in RYR1 are known to be pathogenic (PMID: 23919265, 25960145, 28818389, 30611313).

Literature cited by the submitters: PubMed 23919265; PubMed 25960145; PubMed 28818389; PubMed 30611313.

NC_000019.9:g.(?_39066539)_(39066621_?)del

Gene: RYR1 (ryanodine receptor 1; plus strand). Cytogenetic location: 19q13.2.
Variant type: Deletion.
Identifiers: ClinVar variation 3248522 (VCV003248522.1).